The following is an entry in ClinVar:

NM_002473.6(MYH9):c.4298G>A (p.Arg1433His)

Gene: MYH9 (myosin heavy chain 9; minus strand). Cytogenetic location: 22q12.3.
Variant type: single nucleotide variant.
Coding change: c.4298G>A on transcript NM_002473.6 (MANE Select); coding-DNA position 4298, G replaced by A.
Protein change: p.Arg1433His; replaces arginine 1433 with histidine.
Molecular consequence: missense variant.
Genome position (GRCh38, 1-based): chr22:36,292,032, C>T on the plus strand (G>A on the coding strand, the complement: MYH9 is on the minus strand). VCF-style: chr22-36292032-C-T. GRCh37 (hg19) VCF-style: chr22-36688078-C-T.
Other names: c.4298G>A (NM_002473.5); short protein forms R1433H.
Identifiers: ClinVar variation 493341 (VCV000493341.50), dbSNP rs530533580, ClinGen allele CA10209416.

ClinVar aggregate classification (germline): Uncertain significance. Review status: criteria provided, multiple submitters, no conflicts (2 of 4 stars). 5 submissions from 5 submitters: Uncertain significance (5). Last evaluated 2026-07-14.

Conditions:
Macrothrombocytopenia and granulocyte inclusions with or without nephritis or sensorineural hearing loss (MATINS). Also called: BLEEDING DISORDER, PLATELET-TYPE, 6; MAY-HEGGLIN ANOMALY; MACROTHROMBOCYTOPENIA WITH LEUKOCYTE INCLUSIONS; SEBASTIAN PLATELET SYNDROME; MACROTHROMBOCYTOPENIA WITH DISPERSED LEUKOCYTIC INCLUSIONS; MACROTHROMBOCYTOPENIA, NEPHRITIS, AND DEAFNESS. Identifiers: Orphanet 182050, MedGen C5200934, MONDO:0015912, OMIM 155100.
Autosomal dominant nonsyndromic hearing loss 17. Also called: Deafness, autosomal dominant 17; Autosomal dominant nonsyndromic deafness 17. Identifiers: Orphanet 90635, MedGen C1863659, MONDO:0011350, OMIM 603622.
MYH9-related disorder. Identifiers: MedGen C1854520.

Allele frequency attached by ClinVar (database versions not stated): gnomAD 0.00001; TOPMed 0.00001; ExAC 0.00002; 1000 Genomes Project 0.00020; 1000 Genomes Project 30x 0.00031.
gnomAD v4.1: 54 of 1,614,176 alleles (0.0033%); highest among the groups gnomAD compares: East Asian, 0.0045%; no homozygotes.

Submissions (5):

PreventionGenetics, part of Exact Sciences
Classification: Uncertain significance for MYH9-related condition. Last evaluated: 2026-07-14. Review status: criteria provided, single submitter. Criteria: ACMG Guidelines, 2015. Collection method: clinical testing. Allele origin: germline.
Comment: The MYH9 c.4298G>A variant is predicted to result in the amino acid substitution p.Arg1433His. This variant was reported in an individual with neurodevelopmental disorder (Table S5, Wang et al. 2020. PubMed ID: 33004838). This variant is reported in 0.0054% of alleles in individuals of European (Non-Finnish) descent in gnomAD. At this time, the clinical significance of this variant is uncertain due to the absence of conclusive functional and genetic evidence.

GeneDx
Classification: Uncertain significance. Last evaluated: 2025-10-22. Review status: criteria provided, single submitter. Criteria: GeneDx Variant Classification Process June 2021. Collection method: clinical testing. Allele origin: germline. Affected: yes.
Comment: In silico analysis supports that this missense variant has a deleterious effect on protein structure/function; This variant is associated with the following publications: (PMID: 33004838)

Women's Health and Genetics/Laboratory Corporation of America, LabCorp
Classification: Uncertain significance. Last evaluated: 2025-01-28. Review status: criteria provided, single submitter. Criteria: LabCorp Variant Classification Summary - May 2015. Collection method: clinical testing. Allele origin: germline.
Comment: Variant summary: MYH9 c.4298G>A (p.Arg1433His) results in a non-conservative amino acid change in the encoded protein sequence. Five of five in-silico tools predict a damaging effect of the variant on protein function. The variant allele was found at a frequency of 3.2e-05 in 251358 control chromosomes. The available data on variant occurrences in the general population are insufficient to allow any conclusion about variant significance. c.4298G>A has been reported in the literature in unspecified individual(s) affected with neurodevelopmental disorders (Wang_2020). These report(s) do not provide unequivocal conclusions about association of the variant with Macrothrombocytopenia And Granulocyte Inclusions With Or Without Nephritis Or Sensorineural Hearing Loss. To our knowledge, no experimental evidence demonstrating an impact on protein function has been reported. The following publication has been ascertained in the context of this evaluation (PMID: 33004838). ClinVar contains an entry for this variant (Variation ID: 493341). Based on the evidence outlined above, the variant was classified as uncertain significance.

Fulgent Genetics
Classification: Uncertain significance for Macrothrombocytopenia and granulocyte inclusions with or without nephritis or sensorineural hearing loss; Autosomal dominant nonsyndromic hearing loss 17. Last evaluated: 2022-05-24. Review status: criteria provided, single submitter. Criteria: ACMG Guidelines, 2015. Collection method: clinical testing. Allele origin: unknown.

CeGaT Center for Human Genetics Tuebingen
Classification: Uncertain significance. Last evaluated: 2019-04-01. Review status: criteria provided, single submitter. Criteria: CeGaT Center For Human Genetics Tuebingen Variant Classification Criteria Version 2. Collection method: clinical testing. Allele origin: germline. Affected: yes. Observed: 2 variant alleles.

Literature cited by the submitters: PubMed 33004838 (cited by Women's Health and Genetics/Laboratory Corporation of America, LabCorp).